The following is an entry in ClinVar:

NM_000176.3(NR3C1):c.1331T>A (p.Phe444Tyr)

Gene: NR3C1 (nuclear receptor subfamily 3 group C member 1; minus strand). Cytogenetic location: 5q31.3.
Variant type: single nucleotide variant.
Coding change: c.1331T>A on transcript NM_000176.3 (MANE Select); coding-DNA position 1331, T replaced by A.
Protein change: p.Phe444Tyr; replaces phenylalanine 444 with tyrosine.
Molecular consequence: missense variant. On other transcripts: non-coding transcript variant (1).
Genome position (GRCh38, 1-based): chr5:143,314,022, A>T on the plus strand (T>A on the coding strand, the complement: NR3C1 is on the minus strand). VCF-style: chr5-143314022-A-T. GRCh37 (hg19) VCF-style: chr5-142693587-A-T.
Other names: c.1331T>A, p.Phe444Tyr (NM_001018074.1, NM_001018075.1, NM_001018076.2 and 10 more transcripts); c.1253T>A, p.Phe418Tyr (NM_001204258.2); c.1076T>A, p.Phe359Tyr (NM_001204259.2); c.1064T>A, p.Phe355Tyr (NM_001204260.2); c.1040T>A, p.Phe347Tyr (NM_001204261.2); c.386T>A, p.Phe129Tyr (NM_001204262.2); c.341T>A, p.Phe114Tyr (NM_001204263.2); c.326T>A, p.Phe109Tyr (NM_001204264.2); short protein forms F109Y, F114Y, F129Y, F347Y, F355Y, F359Y, F418Y, F444Y.
Identifiers: ClinVar variation 3359627 (VCV003359627.1).

ClinVar aggregate classification (germline): Uncertain significance (1 of 4 stars; one submission).

Submission:

GeneDx
Classification: Uncertain significance. Last evaluated: 2023-06-09. Review status: criteria provided, single submitter. Criteria: GeneDx Variant Classification Process June 2021. Collection method: clinical testing. Allele origin: germline. Affected: yes.
Comment: Not observed at significant frequency in large population cohorts (gnomAD); In silico analysis supports that this missense variant does not alter protein structure/function; Has not been previously published as pathogenic or benign to our knowledge